The following is an entry in ClinVar:

ClinVar aggregate classification (germline): Uncertain significance (1 of 4 stars; one submission).

Conditions:
Charcot-Marie-Tooth disease type 4. Also called: Charcot-Marie-Tooth disease, type IV; Charcot-Marie-Tooth, Type 4. Identifiers: Orphanet 64749, MedGen C4082197, MONDO:0018995.

Submission:

Labcorp Genetics (formerly Invitae), Labcorp
Classification: Uncertain significance for Charcot-Marie-Tooth disease type 4. Last evaluated: 2023-08-04. Review status: criteria provided, single submitter. Criteria: Invitae Variant Classification Sherloc (09022015). Collection method: clinical testing. Allele origin: germline.
Comment: In summary, the available evidence is currently insufficient to determine the role of this variant in disease. Therefore, it has been classified as a Variant of Uncertain Significance. This variant has not been reported in the literature in individuals affected with SH3TC2-related conditions. ClinVar contains an entry for this variant (Variation ID: 1520263). Advanced modeling of protein sequence and biophysical properties (such as structural, functional, and spatial information, amino acid conservation, physicochemical variation, residue mobility, and thermodynamic stability) performed at Invitae indicates that this missense variant is not expected to disrupt SH3TC2 protein function. This sequence change replaces isoleucine, which is neutral and non-polar, with valine, which is neutral and non-polar, at codon 102 of the SH3TC2 protein (p.Ile102Val). This variant is not present in population databases (gnomAD no frequency).

NM_024577.4(SH3TC2):c.304A>G (p.Ile102Val)

Gene: SH3TC2 (SH3 domain and tetratricopeptide repeats 2; minus strand). Cytogenetic location: 5q32.
Variant type: single nucleotide variant.
Coding change: c.304A>G on transcript NM_024577.4 (MANE Select); coding-DNA position 304, A replaced by G.
Protein change: p.Ile102Val; replaces isoleucine 102 with valine.
Molecular consequence: missense variant.
Genome position (GRCh38, 1-based): chr5:149,044,614, T>C on the plus strand (A>G on the coding strand, the complement: SH3TC2 is on the minus strand). VCF-style: chr5-149044614-T-C. GRCh37 (hg19) VCF-style: chr5-148424177-T-C.
Other names: short protein forms I102V.
Identifiers: ClinVar variation 1520263 (VCV001520263.6), dbSNP rs2127401449, ClinGen allele CA361676975.
Genomic context (GRCh38, chr5:149,044,614, plus strand): 5'-ACTTCCAGATTTCCTCCATGGTCTTGAAGGTGATGAGAAACTGGGCCCTCTGAGACTGGA[T>C]ACTGACCAACCTTGCTGAGAGGTCCTACGTAAAGGAAACAATGAGTCAGCCTGGGATGAC-3'
Protein context (NP_078853.2, residues 92-112): FKDLSARLVS[Ile102Val]QSQRAQFLIT